The following is an entry in ClinVar:

NM_001369.3(DNAH5):c.4949dup (p.Glu1651fs)

Genes: DNAH5 (dynein axonemal heavy chain 5; minus strand), LOC126807318 (MED14-independent group 3 enhancer GRCh37_chr5:13858976-13860175; plus strand). Cytogenetic location: 5p15.2.
Variant type: Duplication.
Coding change: c.4949dup on transcript NM_001369.3 (MANE Select); coding-DNA position 4949, one base duplicated (A; older notation c.4949dupA).
Protein change: p.Glu1651fs; shifts the reading frame from glutamic acid 1651.
Molecular consequence: frameshift variant.
Genome position (GRCh38, 1-based): chr5:13,859,453, T duplicated on the plus strand (A on the coding strand, the reverse complement: DNAH5 is on the minus strand); the first of 2 consecutive T bases (chr5:13,859,453-13,859,454); duplicating either gives the same sequence. VCF-style (leftmost placement, unchanged base first): chr5-13859452-C-CT. GRCh37 (hg19) VCF-style: chr5-13859561-C-CT.
Other names: short protein forms E1651fs.
Identifiers: ClinVar variation 5013182 (VCV005013182.1).

ClinVar aggregate classification (germline): Pathogenic (1 of 4 stars; one submission).

Conditions:
Primary ciliary dyskinesia 3. Identifiers: Orphanet 244, MedGen C1837618, MONDO:0012085, OMIM 608644.

Submission:

Myriad Genetics, Inc.
Classification: Pathogenic for Primary ciliary dyskinesia 3. Last evaluated: 2024-06-15. Review status: criteria provided, single submitter. Criteria: Myriad Autosomal Dominant, Autosomal Recessive and X-Linked Classification Criteria (2023). Collection method: clinical testing. Allele origin: unknown.
Comment: NM_001369.2(DNAH5):c.4949dupA(E1651Gfs*7) is expected to be pathogenic in the context of primary ciliary dyskinesia, DNAH5-related. This variant is predicted to lead to an abnormal or absent protein product due to the creation of a premature termination codon in DNAH5, a gene where loss-of-function variants are known to be pathogenic. Please note: this variant was assessed in the context of healthy population screening.